The following is an entry in ClinVar:

NM_000276.4(OCRL):c.2083C>T (p.Arg695Ter)

Gene: OCRL (OCRL inositol polyphosphate-5-phosphatase; plus strand). Cytogenetic location: Xq26.1.
Variant type: single nucleotide variant.
Coding change: c.2083C>T on transcript NM_000276.4 (MANE Select); coding-DNA position 2083, C replaced by T.
Protein change: p.Arg695Ter; replaces arginine 695 with a stop codon.
Molecular consequence: nonsense.
Genome position (GRCh38, 1-based): chrX:129,576,520, C>T. VCF-style: chrX-129576520-C-T. GRCh37 (hg19) VCF-style: chrX-128710497-C-T.
Other names: c.2086C>T, p.Arg696Ter (NM_001318784.2); c.2083C>T, p.Arg695Ter (NM_001587.4); c.2083C>T (NM_000276.3); short protein forms R696*, R695*.
Identifiers: ClinVar variation 1413179 (VCV001413179.15), dbSNP rs2124419087, ClinGen allele CA414622484.

ClinVar aggregate classification (germline): Pathogenic/Likely pathogenic. Review status: criteria provided, multiple submitters, no conflicts (2 of 4 stars). 6 submissions from 6 submitters: Pathogenic (5); Likely pathogenic (1). Last evaluated 2024-11-18.

Conditions:
OCRL-related disorder. Also called: OCRL-related condition.
Lowe syndrome (OCRL). Also called: LOWE OCULOCEREBRORENAL SYNDROME; PHOSPHATIDYLINOSITOL 4,5-BISPHOSPHATE 5-PHOSPHATASE DEFICIENCY; Oculocerebrorenal Syndrome. Identifiers: Orphanet 534, MedGen C0028860, MONDO:0010645, OMIM 309000.
Dent disease type 2. Identifiers: Orphanet 1652, Orphanet 93623, MedGen C1845167, MONDO:0010359, OMIM 300555.

Submissions (6):

Servicio de Genética Del Instituto Nacional de Salud Del Niño, Ministerio de Salud
Classification: Pathogenic for Lowe syndrome. Last evaluated: 2024-11-18. Review status: criteria provided, single submitter. Criteria: ACMG Guidelines, 2015. Collection method: clinical testing. Allele origin: germline. Inheritance: Autosomal recessive inheritance. Affected: yes.
Comment: The variant NM_000276.4:c.2083C>T (p.Arg695)* introduces a premature stop codon at codon 695, likely resulting in a truncated protein or nonsense-mediated decay (NMD). Based on ACMG/AMP guidelines, this variant meets the criteria for PM3, PVS1, PS2, PM2, and PP5, supporting its classification as pathogenic. These criteria are based on the predicted loss of protein function and the presence of similar pathogenic variants in the gene

GeneDx
Classification: Pathogenic. Last evaluated: 2024-09-28. Review status: criteria provided, single submitter. Criteria: GeneDx Variant Classification Process June 2021. Collection method: clinical testing. Allele origin: germline. Affected: yes.
Comment: Nonsense variant predicted to result in protein truncation or nonsense mediated decay in a gene for which loss of function is a known mechanism of disease; Not observed in large population cohorts (gnomAD); This variant is associated with the following publications: (PMID: 25480730, 25525159, 19579036, 9682219, 24912603, 30650973, 35919034, 18038239)

Fulgent Genetics
Classification: Pathogenic for Dent disease type 2; Lowe syndrome. Last evaluated: 2024-01-20. Review status: criteria provided, single submitter. Criteria: ACMG Guidelines, 2015. Collection method: clinical testing. Allele origin: germline.

Blueprint Genetics
Classification: Pathogenic for OCRL-related disorders. Last evaluated: 2024-01-04. Review status: criteria provided, single submitter. Criteria: ACMG Guidelines, 2015. Collection method: clinical testing. Allele origin: germline. Affected: yes. Observed: 2 variant alleles.

Labcorp Genetics (formerly Invitae), Labcorp
Classification: Pathogenic for Lowe syndrome. Last evaluated: 2021-06-03. Review status: criteria provided, single submitter. Criteria: Invitae Variant Classification Sherloc (09022015). Collection method: clinical testing. Allele origin: germline.
Comment: This variant is not present in population databases (ExAC no frequency). This sequence change creates a premature translational stop signal (p.Arg695*) in the OCRL gene. It is expected to result in an absent or disrupted protein product. Loss-of-function variants in OCRL are known to be pathogenic (PMID: 21031565, 22381590). This variant has been observed in individual(s) with clinical features of Lowe syndrome (PMID: 25480730). In at least one individual the variant was observed to be de novo. For these reasons, this variant has been classified as Pathogenic.

Laboratorio de Genetica e Diagnostico Molecular, Hospital Israelita Albert Einstein
Classification: Likely pathogenic for Lowe syndrome. Last evaluated: 2021-04-14. Review status: criteria provided, single submitter. Criteria: ACMG Guidelines, 2015. Collection method: clinical testing. Allele origin: germline. Affected: yes.
Comment: ACMG classification criteria: PVS1, PM2

Literature cited by the submitters: PubMed 21031565 (cited by Labcorp Genetics (formerly Invitae), Labcorp); PubMed 22381590 (cited by Labcorp Genetics (formerly Invitae), Labcorp); PubMed 25480730 (cited by Labcorp Genetics (formerly Invitae), Labcorp).